The following is an entry in ClinVar:

NM_000179.3(MSH6):c.1915G>A (p.Glu639Lys)

Gene: MSH6 (mutS homolog 6; plus strand). Cytogenetic location: 2p16.3.
Variant type: single nucleotide variant.
Coding change: c.1915G>A on transcript NM_000179.3 (MANE Select); coding-DNA position 1915, G replaced by A.
Protein change: p.Glu639Lys; replaces glutamic acid 639 with lysine.
Molecular consequence: missense variant.
Genome position (GRCh38, 1-based): chr2:47,799,898, G>A. VCF-style: chr2-47799898-G-A. GRCh37 (hg19) VCF-style: chr2-48027037-G-A.
Other names: p.Glu639Lys; c.1525G>A, p.Glu509Lys (NM_001281492.2); c.1009G>A, p.Glu337Lys (NM_001281493.2, NM_001281494.2); short protein forms E639K, E509K, E337K.
Identifiers: ClinVar variation 185463 (VCV000185463.45), dbSNP rs143517321, ClinGen allele CA009445.
Genomic context (GRCh38, chr2:47,799,898, plus strand): 5'-GAAGGTCTGATACCCGGCTCCCAGTTTTGGGATGCATCCAAAACTTTGAGAACTCTCCTT[G>A]AGGAAGAATATTTTAGGGAAAAGCTAAGTGATGGCATTGGGGTGATGTTACCCCAGGTGC-3'
Protein context (NP_000170.1, residues 629-649): DASKTLRTLL[Glu639Lys]EEYFREKLSD

ClinVar aggregate classification (germline): Conflicting classifications of pathogenicity. Review status: criteria provided, conflicting classifications (1 of 4 stars). 15 submissions from 15 submitters: Uncertain significance (14); Likely benign (1). Last evaluated 2026-06-10.

Conditions:
MSH6-related disorder. Also called: MSH6-related condition; MSH6-Related disorders.
Hereditary nonpolyposis colorectal neoplasms. Identifiers: MedGen C0009405, MeSH D003123.
Endometrial carcinoma. Also called: Endometrial carcinoma, somatic. Identifiers: MedGen C0476089, MONDO:0002447, OMIM 608089, HP:0012114.
Lynch syndrome 5 (LYNCH5). Also called: Colorectal cancer, hereditary nonpolyposis, type 5; Hereditary non-polyposis colorectal cancer, type 5. Identifiers: Orphanet 144, MedGen C1833477, MONDO:0013710, OMIM 614350. Disease mechanism: loss of function.
Mismatch repair cancer syndrome 3. Identifiers: MedGen C5436807, MONDO:0030841, OMIM 619097.
Hereditary cancer-predisposing syndrome. Also called: Neoplastic Syndromes, Hereditary; Tumor predisposition; Hereditary neoplastic syndrome; Hereditary Cancer Syndrome. Identifiers: Orphanet 140162, MedGen C0027672, MeSH D009386, MONDO:0015356.
Lynch syndrome. Identifiers: Orphanet 144, MedGen C4552100, MONDO:0005835. Disease mechanism: loss of function.

Allele frequency attached by ClinVar (database versions not stated): gnomAD exomes 0.00001 and 0.00003; ExAC 0.00002; gnomAD 0.00003; TOPMed 0.00003; ESP Exome Variant Server 0.00008.
gnomAD v4.1: 49 of 1,614,078 alleles (0.003%); highest among the groups gnomAD compares: Non-Finnish European, 0.004%; no homozygotes.

Submissions (15):

PreventionGenetics, part of Exact Sciences
Classification: Uncertain significance for MSH6-related condition. Last evaluated: 2026-06-10. Review status: criteria provided, single submitter. Criteria: ACMG Guidelines, 2015. Collection method: clinical testing. Allele origin: germline.
Comment: The MSH6 c.1915G>A variant is predicted to result in the amino acid substitution p.Glu639Lys. This variant has been reported in individuals with colorectal cancer, sequenced as part of large cohort screens; however, causation was not established in these studies (Shirts et al. 2016. PubMed ID: 26845104; Pearlman et al. 2017. PubMed ID: 27978560). It has also been reported in individuals with low grade glioma (LGG) (Supplementary Data 12, Lu et al. 2015. PubMed ID: 26689913) and breast cancer (Supplemental Data, Breast Cancer Association Consortium et al. 2021. PubMed ID: 33471991). This variant is reported in 0.0040% of alleles in individuals of African descent in gnomAD and has conflicting interpretations in ClinVar ranging from uncertain significance to likely benign (Variation ID: 185463). At this time, the clinical significance of this variant is uncertain due to the absence of conclusive functional and genetic evidence.

Labcorp Genetics (formerly Invitae), Labcorp
Classification: Likely benign for Hereditary nonpolyposis colorectal neoplasms. Last evaluated: 2026-01-22. Review status: criteria provided, single submitter. Criteria: Invitae Variant Classification Sherloc (09022015). Collection method: clinical testing. Allele origin: germline.

Quest Diagnostics Nichols Institute San Juan Capistrano
Classification: Uncertain significance. Last evaluated: 2025-06-19. Review status: criteria provided, single submitter. Criteria: Quest Diagnostics criteria. Collection method: clinical testing. Allele origin: unknown.
Comment: The MSH6 c.1915G>A (p.Glu639Lys) variant has been reported in the published literature in individuals with colorectal cancer (PMID: 26845104 (2016), 27978560 (2016)), head and neck squamous cell carcinoma (PMID: 26689913 (2015)), breast cancer (PMID: 33471991 (2021), see also LOVD), and in a reportedly unaffected individual (PMID: 33471991 (2021), see also LOVD). The frequency of this variant in the general population (Genome Aggregation Database) is uninformative in the assessment of its pathogenicity. Analysis of this variant using bioinformatics tools for the prediction of the effect of amino acid changes on protein structure and function yielded conflicting predictions that this variant is benign or damaging. Based on the available information, we are unable to determine the clinical significance of this variant.

Mayo Clinic Laboratories, Mayo Clinic
Classification: Uncertain significance. Last evaluated: 2025-06-05. Review status: criteria provided, single submitter. Criteria: ACMG Guidelines, 2015. Collection method: clinical testing. Allele origin: germline. Observed: 1 variant allele.
Comment: BP4

Ambry Genetics
Classification: Uncertain significance for Hereditary cancer-predisposing syndrome. Last evaluated: 2025-05-01. Review status: criteria provided, single submitter. Criteria: Ambry Variant Classification Scheme 2023. Collection method: clinical testing. Allele origin: germline.
Comment: The p.E639K variant (also known as c.1915G>A), located in coding exon 4 of the MSH6 gene, results from a G to A substitution at nucleotide position 1915. The glutamic acid at codon 639 is replaced by lysine, an amino acid with similar properties. This alteration has also been reported in patients with colorectal cancer and low grade glioma (Lu C et al. Nat Commun. 2015 Dec 22;6:10086; Shirts BH et al. Genet Med, 2016 10;18:974-81). This amino acid position is highly conserved in available vertebrate species. In addition, this alteration is predicted to be deleterious by in silico analysis. Since supporting evidence is limited at this time, the clinical significance of this alteration remains unclear.

Molecular Pathology, Peter Maccallum Cancer Centre
Classification: Uncertain significance for Lynch syndrome 5. Last evaluated: 2025-01-30. Review status: criteria provided, single submitter. Criteria: ACMG Guidelines, 2015. Collection method: clinical testing. Allele origin: germline. Inheritance: Autosomal dominant inheritance.

Color Diagnostics, LLC DBA Color Health
Classification: Uncertain significance for Hereditary cancer-predisposing syndrome. Last evaluated: 2024-08-06. Review status: criteria provided, single submitter. Criteria: ACMG Guidelines, 2015. Collection method: clinical testing. Allele origin: germline.
Comment: This missense variant replaces glutamic acid with lysine at codon 639 of the MSH6 protein. Computational prediction suggests that this variant may have deleterious impact on protein structure and function (internally defined REVEL score threshold >= 0.7, PMID: 27666373). To our knowledge, functional studies have not been reported for this variant. This variant has been reported in individuals affected with colorectal cancer (PMID: 26845104, 27978560), glioma (PMID: 26689913) and breast cancer (PMID: 33471991). This variant has been identified in 4/282398 chromosomes in the general population by the Genome Aggregation Database (gnomAD). The available evidence is insufficient to determine the role of this variant in disease conclusively. Therefore, this variant is classified as a Variant of Uncertain Significance.

GeneDx
Classification: Uncertain significance. Last evaluated: 2024-04-07. Review status: criteria provided, single submitter. Criteria: GeneDx Variant Classification Process June 2021. Collection method: clinical testing. Allele origin: germline. Affected: yes.
Comment: Observed in individuals with glioma, breast cancer, colorectal cancer, and/or polyps (PMID: 26689913, 27978560, 26845104, 33471991); Not observed at significant frequency in large population cohorts (gnomAD); In silico analysis supports that this missense variant has a deleterious effect on protein structure/function; This variant is associated with the following publications: (PMID: 26845104, 26689913, 27978560, 23621914, 33471991, 17531815, 21120944)

Fulgent Genetics
Classification: Uncertain significance for Endometrial carcinoma; Lynch syndrome 5; Mismatch repair cancer syndrome 3. Last evaluated: 2024-03-27. Review status: criteria provided, single submitter. Criteria: ACMG Guidelines, 2015. Collection method: clinical testing. Allele origin: germline.

Baylor Genetics
Classification: Uncertain significance for Endometrial carcinoma. Last evaluated: 2024-01-23. Review status: criteria provided, single submitter. Criteria: ACMG Guidelines, 2015. Collection method: clinical testing. Allele origin: unknown.

All of Us Research Program, National Institutes of Health
Classification: Uncertain significance for Lynch syndrome. Last evaluated: 2023-12-01. Review status: criteria provided, single submitter. Criteria: ACMG Guidelines, 2015. Collection method: clinical testing. Allele origin: germline. Inheritance: Autosomal dominant inheritance. Observed: 8 variant alleles, 8 heterozygotes.
Comment: This missense variant replaces glutamic acid with lysine at codon 639 of the MSH6 protein. Computational prediction suggests that this variant may have deleterious impact on protein structure and function (internally defined REVEL score threshold >= 0.7, PMID: 27666373). To our knowledge, functional studies have not been reported for this variant. This variant has been reported in individuals affected with colorectal cancer (PMID: 26845104, 27978560), glioma (PMID: 26689913) and breast cancer (PMID: 33471991). This variant has been identified in 4/282398 chromosomes in the general population by the Genome Aggregation Database (gnomAD). The available evidence is insufficient to determine the role of this variant in disease conclusively. Therefore, this variant is classified as a Variant of Uncertain Significance.

This study involves interpretation of variants in research participants for the purpose of population health screening. Participant phenotype was not available at the time of variant classification. Additional details can be found in publication PMID: 35346344, PMCID: PMC8962531

Sema4
Classification: Uncertain significance for Hereditary cancer-predisposing syndrome. Last evaluated: 2021-07-20. Review status: criteria provided, single submitter. Criteria: Sema4 Curation Guidelines. Collection method: curation. Allele origin: germline.
Comment: The MSH6 c.1915G>A (p.E639K) variant has been reported in heterozygosity in individuals with colorectal cancer, glioma, and breast cancer (PMID: 26845104, 27978560, 26689913, 33471991). It was observed in 4/282398 chromosomes in the large and broad cohorts of the Genome Aggregation Database (PMID: 32461654). The variant has been reported in ClinVar (Variation ID 185463). Functional studies have not been performed, and in silico predictions of the variant's effect on protein function are inconclusive. The evidence is insufficient to meet ACMG/AMP criteria for classifying the variant as benign or pathogenic. Thus, the clinical significance of this variant is currently uncertain.

Women's Health and Genetics/Laboratory Corporation of America, LabCorp
Classification: Uncertain significance. Last evaluated: 2018-11-13. Review status: criteria provided, single submitter. Criteria: LabCorp Variant Classification Summary - May 2015. Collection method: clinical testing. Allele origin: germline.
Comment: Variant summary: MSH6 c.1915G>A (p.Glu639Lys) results in a conservative amino acid change located in the DNA mismatch repair protein MutS, connector domain of the encoded protein sequence. Three of five in-silico tools predict a damaging effect of the variant on protein function. The variant allele was found at a frequency of 2.2e-05 in 276788 control chromosomes. The available data on variant occurrences in the general population are insufficient to allow any conclusion about variant significance. c.1915G>A has been reported in the literature in individuals affected with colon cancer and glioma. These report(s) do not provide unequivocal conclusions about association of the variant with Lynch Syndrome. To our knowledge, no experimental evidence demonstrating an impact on protein function has been reported. Seven clinical diagnostic laboratories have submitted clinical-significance assessments for this variant to ClinVar after 2014 without evidence for independent evaluation. All laboratories classified the variant as uncertain significance. Based on the evidence outlined above, the variant was classified as uncertain significance.

Illumina Laboratory Services, Illumina
Classification: Uncertain significance for Lynch syndrome 5. Last evaluated: 2018-01-13. Review status: criteria provided, single submitter. Criteria: ICSL Variant Classification Criteria 13 December 2019. Collection method: clinical testing. Allele origin: germline.

University of Washington Department of Laboratory Medicine, University of Washington
Classification: Uncertain significance for Hereditary nonpolyposis colon cancer. Last evaluated: 2015-11-20. Review status: criteria provided, single submitter. Criteria: Shirts et al. (Genet Med 2016). Collection method: clinical testing. Allele origin: germline. Affected: yes. Observed: 1 variant allele.

Literature cited by the submitters: PubMed 33471991 (cited by 4 submitters); PubMed 23621914 (cited by 3 submitters); PubMed 26845104 (cited by 6 submitters); PubMed 26689913 (cited by 7 submitters); PubMed 27978560 (cited by 7 submitters).